The following is an entry in ClinVar:

ClinVar aggregate classification (germline): Pathogenic (1 of 4 stars; one submission).

gnomAD v4.1: 1 of 1,612,610 alleles (0.000062%); highest among the groups gnomAD compares: African/African-American, 0.0013%; no homozygotes.

Submission:

Labcorp Genetics (formerly Invitae), Labcorp
Classification: Pathogenic. Last evaluated: 2025-12-17. Review status: criteria provided, single submitter. Criteria: Invitae Variant Classification Sherloc (09022015). Collection method: clinical testing. Allele origin: germline.
Comment: This sequence change creates a premature translational stop signal (p.Trp1268*) in the POLE gene. It is expected to result in an absent or disrupted protein product. Loss-of-function variants in POLE are known to be pathogenic (PMID: 23230001, 25948378, 30503519). This variant is not present in population databases (gnomAD no frequency). This variant has not been reported in the literature in individuals affected with POLE-related conditions. ClinVar contains an entry for this variant (Variation ID: 1009020). For these reasons, this variant has been classified as Pathogenic.

Literature cited by the submitters: PubMed 23230001; PubMed 25948378; PubMed 30503519.

NM_006231.4(POLE):c.3804G>A (p.Trp1268Ter)

Gene: POLE (DNA polymerase epsilon, catalytic subunit; minus strand). Cytogenetic location: 12q24.33.
Variant type: single nucleotide variant.
Coding change: c.3804G>A on transcript NM_006231.4 (MANE Select); coding-DNA position 3804, G replaced by A.
Protein change: p.Trp1268Ter; replaces tryptophan 1268 with a stop codon.
Molecular consequence: nonsense.
Genome position (GRCh38, 1-based): chr12:132,649,507, C>T on the plus strand (G>A on the coding strand, the complement: POLE is on the minus strand). VCF-style: chr12-132649507-C-T. GRCh37 (hg19) VCF-style: chr12-133226093-C-T.
Other names: short protein forms W1268*.
Identifiers: ClinVar variation 1009020 (VCV001009020.8), dbSNP rs769948095, ClinGen allele CA387385693.
Genomic context (GRCh38, chr12:132,649,507, plus strand): 5'-GGCGAGGCGCTGCCGGGCCTGCAGCTGCCACTTCTTCTTGTGGAACCGGAGCCAGACAAG[C>T]CATTCCTCCTGGGATGGATGGTGAGCACAGCCAGTGTGCAAGTGGTGAGATGGGAATGCC-3'